The following is an entry in ClinVar:

ClinVar aggregate classification (germline): Uncertain significance (1 of 4 stars; one submission).

Allele frequency attached by ClinVar (database versions not stated): gnomAD exomes below 0.00001.
gnomAD v4.1: 1 of 1,613,882 alleles (0.000062%); highest among the groups gnomAD compares: Non-Finnish European, 0.000085%; no homozygotes.

Submission:

Labcorp Genetics (formerly Invitae), Labcorp
Classification: Uncertain significance. Last evaluated: 2022-04-14. Review status: criteria provided, single submitter. Criteria: Invitae Variant Classification Sherloc (09022015). Collection method: clinical testing. Allele origin: germline.
Comment: This sequence change replaces proline, which is neutral and non-polar, with histidine, which is basic and polar, at codon 260 of the ELP1 protein (p.Pro260His). This variant is not present in population databases (gnomAD no frequency). This variant has not been reported in the literature in individuals affected with ELP1-related conditions. Algorithms developed to predict the effect of missense changes on protein structure and function are either unavailable or do not agree on the potential impact of this missense change (SIFT: "Deleterious"; PolyPhen-2: "Probably Damaging"; Align-GVGD: "Class C0"). In summary, the available evidence is currently insufficient to determine the role of this variant in disease. Therefore, it has been classified as a Variant of Uncertain Significance.

NM_003640.5(ELP1):c.779C>A (p.Pro260His)

Gene: ELP1 (elongator acetyltransferase complex subunit 1; minus strand). Cytogenetic location: 9q31.3.
Variant type: single nucleotide variant.
Coding change: c.779C>A on transcript NM_003640.5 (MANE Select); coding-DNA position 779, C replaced by A.
Protein change: p.Pro260His; replaces proline 260 with histidine.
Molecular consequence: missense variant. On other transcripts: 5 prime UTR variant (1).
Genome position (GRCh38, 1-based): chr9:108,917,632, G>T on the plus strand (C>A on the coding strand, the complement: ELP1 is on the minus strand). VCF-style: chr9-108917632-G-T. GRCh37 (hg19) VCF-style: chr9-111679912-G-T.
Other names: c.437C>A, p.Pro146His (NM_001318360.2); c.-269C>A (NM_001330749.2); short protein forms P260H, P146H.
Identifiers: ClinVar variation 1902026 (VCV001902026.2), dbSNP rs2132028041, ClinGen allele CA374386394.